The following is an entry in ClinVar:

NM_005876.5(SPEG):c.8522C>T (p.Pro2841Leu)

Genes: ASIC4-AS1 (ASIC4 antisense RNA 1; minus strand), SPEG (striated muscle enriched protein kinase; plus strand). Cytogenetic location: 2q35.
Variant type: single nucleotide variant.
Coding change: c.8522C>T on transcript NM_005876.5 (MANE Select); coding-DNA position 8522, C replaced by T.
Protein change: p.Pro2841Leu; replaces proline 2841 with leucine.
Molecular consequence: missense variant.
Genome position (GRCh38, 1-based): chr2:219,489,540, C>T. VCF-style: chr2-219489540-C-T. GRCh37 (hg19) VCF-style: chr2-220354262-C-T.
Other names: short protein forms P2841L.
Identifiers: ClinVar variation 2133637 (VCV002133637.4), dbSNP rs2546010057, ClinGen allele CA350709272.
Genomic context (GRCh38, chr2:219,489,540, plus strand): 5'-CCTCATCTCCCCCCACACCTCCTAGCCAGGCCTTGTCCTCGCTCAAGGCTGTGGGTCCAC[C>T]ACCCCAAACCCCTCCACGAAGACACAGGGGCCTGCAGGCTGCCCGGCCAGCGGAGCCCAC-3'
Protein context (NP_005867.3, residues 2831-2851): ALSSLKAVGP[Pro2841Leu]PQTPPRRHRG

ClinVar aggregate classification (germline): Uncertain significance (1 of 4 stars; one submission).

Allele frequency attached by ClinVar (database versions not stated): gnomAD exomes below 0.00001.
gnomAD v4.1: 2 of 1,613,560 alleles (0.00012%); highest among the groups gnomAD compares: Admixed American, 0.0017%; no homozygotes.

Submission:

Labcorp Genetics (formerly Invitae), Labcorp
Classification: Uncertain significance. Last evaluated: 2022-05-04. Review status: criteria provided, single submitter. Criteria: Invitae Variant Classification Sherloc (09022015). Collection method: clinical testing. Allele origin: germline.
Comment: In summary, the available evidence is currently insufficient to determine the role of this variant in disease. Therefore, it has been classified as a Variant of Uncertain Significance. Algorithms developed to predict the effect of missense changes on protein structure and function output the following: SIFT: "Deleterious"; PolyPhen-2: "Benign"; Align-GVGD: "Class C0". The leucine amino acid residue is found in multiple mammalian species, which suggests that this missense change does not adversely affect protein function. This variant has not been reported in the literature in individuals affected with SPEG-related conditions. This variant is not present in population databases (gnomAD no frequency). This sequence change replaces proline, which is neutral and non-polar, with leucine, which is neutral and non-polar, at codon 2841 of the SPEG protein (p.Pro2841Leu).